The following is an entry in ClinVar:

NM_004369.4(COL6A3):c.7660G>A (p.Ala2554Thr)

Gene: COL6A3 (collagen type VI alpha 3 chain; minus strand). Cytogenetic location: 2q37.3.
Variant type: single nucleotide variant.
Coding change: c.7660G>A on transcript NM_004369.4 (MANE Select); coding-DNA position 7660, G replaced by A.
Protein change: p.Ala2554Thr; replaces alanine 2554 with threonine.
Molecular consequence: missense variant.
Genome position (GRCh38, 1-based): chr2:237,344,358, C>T on the plus strand (G>A on the coding strand, the complement: COL6A3 is on the minus strand). VCF-style: chr2-237344358-C-T. GRCh37 (hg19) VCF-style: chr2-238253001-C-T.
Other names: c.5839G>A, p.Ala1947Thr (NM_057166.5); c.7042G>A, p.Ala2348Thr (NM_057167.4); short protein forms A2554T, A1947T, A2348T.
Identifiers: ClinVar variation 192260 (VCV000192260.23), dbSNP rs786205870, ClinGen allele CA200139.

ClinVar aggregate classification (germline): Conflicting classifications of pathogenicity. Review status: criteria provided, conflicting classifications (1 of 4 stars). 6 submissions from 6 submitters: Uncertain significance (4); Likely benign (1). 1 of the submissions does not count toward it. Last evaluated 2026-02-01.

Conditions:
Dystonia 27 (DYT27). Identifiers: Orphanet 464440, MedGen C4225336, MONDO:0014627, OMIM 616411.
Ullrich congenital muscular dystrophy 1A. Also called: Ullrich congenital muscular dystrophy 1; Intermediate COL6-RD. Identifiers: Orphanet 75840, MedGen C0410179, MONDO:0009681, OMIM 254090.
Bethlem myopathy 1A. Also called: Bethlem myopathy 1; MYOPATHY, BENIGN CONGENITAL, WITH CONTRACTURES; Bethlem Muscular Dystrophy. Identifiers: Orphanet 610, MedGen CN029274, MONDO:0024530, OMIM 158810.

Allele frequency attached by ClinVar (database versions not stated): gnomAD exomes 0.00001 and 0.00002; gnomAD 0.00003; TOPMed 0.00003.
gnomAD v4.1: 29 of 1,614,062 alleles (0.0018%); highest among the groups gnomAD compares: Admixed American, 0.0033%; no homozygotes.

Submissions (6):

CeGaT Center for Human Genetics Tuebingen
Classification: Uncertain significance. Last evaluated: 2026-02-01. Review status: criteria provided, single submitter. Criteria: CeGaT Center For Human Genetics Tuebingen Variant Classification Criteria Version 2. Collection method: clinical testing. Allele origin: germline. Affected: yes. Observed: 1 variant allele.
Comment: COL6A3: PM2

Labcorp Genetics (formerly Invitae), Labcorp
Classification: Likely benign for Bethlem myopathy 1A. Last evaluated: 2025-03-08. Review status: criteria provided, single submitter. Criteria: Invitae Variant Classification Sherloc (09022015). Collection method: clinical testing. Allele origin: germline.

GeneDx
Classification: Uncertain significance. Last evaluated: 2023-11-20. Review status: criteria provided, single submitter. Criteria: GeneDx Variant Classification Process June 2021. Collection method: clinical testing. Allele origin: germline. Affected: yes.
Comment: Observed in a patient with isolated dystonia in published literature; however, the variant was also seen with a pathogenic variant in the affected patient while the patient's unaffected relatives were heterozygous for p.A2554T only (PMID: 26004199); In silico analysis supports that this missense variant has a deleterious effect on protein structure/function; This variant is associated with the following publications: (PMID: 26004199)

MGZ Medical Genetics Center
Classification: Uncertain significance for Bethlem myopathy 1A. Last evaluated: 2022-08-19. Review status: criteria provided, single submitter. Criteria: ACMG Guidelines, 2015. Collection method: clinical testing. Allele origin: germline. Affected: yes. Observed: 1 variant allele.
Comment: ACMG criteria applied: PM3, PM2_SUP, PP3

Centre for Mendelian Genomics, University Medical Centre Ljubljana
Classification: Uncertain significance for Ullrich congenital muscular dystrophy 1A. Last evaluated: 2019-06-20. Review status: criteria provided, single submitter. Criteria: ACMG Guidelines, 2015. Collection method: clinical testing. Allele origin: unknown. Affected: yes.
Comment: This variant was classified as: Uncertain significance. The available evidence on this variant's pathogenicity is insufficient or conflicting. The following ACMG criteria were applied in classifying this variant: PM5,PP3.

OMIM
Classification: Pathogenic for DYSTONIA 27. Last evaluated: 2015-06-04. Review status: no assertion criteria provided. Collection method: literature only. Allele origin: germline. Not counted in ClinVar's aggregate classification.

Literature cited by the submitters: PubMed 26004199 (cited by OMIM).